The following is an entry in ClinVar:

NM_014989.7(RIMS1):c.1285T>G (p.Ser429Ala)

Gene: RIMS1 (regulating synaptic membrane exocytosis 1; plus strand). Cytogenetic location: 6q13.
Variant type: single nucleotide variant.
Coding change: c.1285T>G on transcript NM_014989.7 (MANE Select); coding-DNA position 1285, T replaced by G.
Protein change: p.Ser429Ala; replaces serine 429 with alanine.
Molecular consequence: missense variant.
Genome position (GRCh38, 1-based): chr6:72,182,756, T>G. VCF-style: chr6-72182756-T-G. GRCh37 (hg19) VCF-style: chr6-72892459-T-G.
Other names: short protein forms S429A.
Identifiers: ClinVar variation 1895913 (VCV001895913.6), dbSNP rs746763027, ClinGen allele CA3885669.

ClinVar aggregate classification (germline): Uncertain significance. Review status: criteria provided, multiple submitters, no conflicts (2 of 4 stars). 2 submissions from 2 submitters: Uncertain significance (2). Last evaluated 2025-10-06.

Allele frequency attached by ClinVar (database versions not stated): gnomAD 0.00002; TOPMed 0.00003; gnomAD exomes 0.00006.
gnomAD v4.1: 89 of 1,543,432 alleles (0.0058%); highest among the groups gnomAD compares: Non-Finnish European, 0.0074%; no homozygotes.

Submissions (2):

Labcorp Genetics (formerly Invitae), Labcorp
Classification: Uncertain significance. Last evaluated: 2025-10-06. Review status: criteria provided, single submitter. Criteria: Invitae Variant Classification Sherloc (09022015). Collection method: clinical testing. Allele origin: germline.
Comment: This sequence change replaces serine, which is neutral and polar, with alanine, which is neutral and non-polar, at codon 429 of the RIMS1 protein (p.Ser429Ala). This variant is present in population databases (rs746763027, gnomAD 0.004%). This variant has not been reported in the literature in individuals affected with RIMS1-related conditions. ClinVar contains an entry for this variant (Variation ID: 1895913). An algorithm developed to predict the effect of missense changes on protein structure and function (PolyPhen-2) suggests that this variant is likely to be tolerated. In summary, the available evidence is currently insufficient to determine the role of this variant in disease. Therefore, it has been classified as a Variant of Uncertain Significance.

Blueprint Genetics
Classification: Uncertain significance. Last evaluated: 2022-09-08. Review status: criteria provided, single submitter. Criteria: ACMG Guidelines, 2015. Collection method: clinical testing. Allele origin: germline.